The following is an entry in ClinVar:

ClinVar aggregate classification (germline): Uncertain significance (1 of 4 stars; one submission).

Conditions:
Thrombophilia due to protein S deficiency, autosomal recessive (THPH6). Identifiers: Orphanet 743, MedGen C3281092, MONDO:0013791, OMIM 614514. Disease mechanism: loss of function.

gnomAD v4.1: 6 of 1,604,240 alleles (0.00037%); highest among the groups gnomAD compares: Non-Finnish European, 0.00051%; no homozygotes.

Submission:

Labcorp Genetics (formerly Invitae), Labcorp
Classification: Uncertain significance for Thrombophilia due to protein S deficiency, autosomal recessive. Last evaluated: 2025-11-19. Review status: criteria provided, single submitter. Criteria: Invitae Variant Classification Sherloc (09022015). Collection method: clinical testing. Allele origin: germline.
Comment: This sequence change replaces valine, which is neutral and non-polar, with methionine, which is neutral and non-polar, at codon 386 of the PROS1 protein (p.Val386Met). This variant is not present in population databases (gnomAD no frequency). This variant has not been reported in the literature in individuals affected with PROS1-related conditions. An algorithm developed to predict the effect of missense changes on protein structure and function (PolyPhen-2) suggests that this variant is likely to be disruptive. In summary, the available evidence is currently insufficient to determine the role of this variant in disease. Therefore, it has been classified as a Variant of Uncertain Significance.

NM_000313.4(PROS1):c.1156G>A (p.Val386Met)

Gene: PROS1 (protein S; minus strand). Cytogenetic location: 3q11.1.
Variant type: single nucleotide variant.
Coding change: c.1156G>A on transcript NM_000313.4 (MANE Select); coding-DNA position 1156, G replaced by A.
Protein change: p.Val386Met; replaces valine 386 with methionine.
Molecular consequence: missense variant.
Genome position (GRCh38, 1-based): chr3:93,886,503, C>T on the plus strand (G>A on the coding strand, the complement: PROS1 is on the minus strand). VCF-style: chr3-93886503-C-T. GRCh37 (hg19) VCF-style: chr3-93605347-C-T.
Other names: c.1252G>A, p.Val418Met (NM_001314077.2); short protein forms V418M, V386M.
Identifiers: ClinVar variation 4739071 (VCV004739071.1).
Genomic context (GRCh38, chr3:93,886,503, plus strand): 5'-CCATCACAGCTTCTTTAGCTATTTTAATGCTAATACTATGTTCTAATTCTTCCACAGACA[C>T]CTACAATTAAAAAGAAAAATTACCAAATAACCAAGTATTACTACATGTCATTTGAAATAC-3'
Protein context (NP_000304.2, residues 376-396): DVINNGLWNM[Val386Met]SVEELEHSIS